The following is an entry in ClinVar:

NM_000532.5(PCCB):c.543G>C (p.Leu181=)

Gene: PCCB (propionyl-CoA carboxylase subunit beta; plus strand). Cytogenetic location: 3q22.3.
Variant type: single nucleotide variant.
Coding change: c.543G>C on transcript NM_000532.5 (MANE Select); coding-DNA position 543, G replaced by C.
Protein change: p.Leu181=; no amino-acid change (leucine 181 retained).
Molecular consequence: synonymous variant.
Genome position (GRCh38, 1-based): chr3:136,262,065, G>C. VCF-style: chr3-136262065-G-C. GRCh37 (hg19) VCF-style: chr3-135980907-G-C.
Other names: c.603G>C, p.Leu201= (NM_001178014.2).
Identifiers: ClinVar variation 658152 (VCV000658152.8), dbSNP rs777868289, ClinGen allele CA2631762.

ClinVar aggregate classification (germline): Uncertain significance. Review status: criteria provided, multiple submitters, no conflicts (2 of 4 stars). 4 submissions from 4 submitters: Uncertain significance (3). 1 of the submissions does not count toward it. Last evaluated 2022-08-16.

Conditions:
Propionic acidemia (PROP). Also called: GLYCINEMIA, KETOTIC; HYPERGLYCINEMIA WITH KETOACIDOSIS AND LEUKOPENIA; KETOTIC HYPERGLYCINEMIA. Identifiers: Orphanet 35, MedGen C0268579, MONDO:0011628, OMIM 606054, HP:0003571.

Allele frequency attached by ClinVar (database versions not stated): gnomAD 0.00002; gnomAD exomes 0.00002 and 0.00003; TOPMed 0.00003; ExAC 0.00005.

Submissions (4):

Labcorp Genetics (formerly Invitae), Labcorp
Classification: Uncertain significance for Propionic acidemia. Last evaluated: 2022-08-16. Review status: criteria provided, single submitter. Criteria: Invitae Variant Classification Sherloc (09022015). Collection method: clinical testing. Allele origin: germline.
Comment: This sequence change affects codon 181 of the PCCB mRNA. It is a 'silent' change, meaning that it does not change the encoded amino acid sequence of the PCCB protein. This variant also falls at the last nucleotide of exon 5, which is part of the consensus splice site for this exon. This variant is present in population databases (rs777868289, gnomAD 0.02%). This variant has not been reported in the literature in individuals affected with PCCB-related conditions. ClinVar contains an entry for this variant (Variation ID: 658152). Algorithms developed to predict the effect of variants on protein structure and function are not available or were not evaluated for this variant. Experimental studies are conflicting or provide insufficient evidence to determine the effect of this variant on PCCB function (PMID: 33923806). Variants that disrupt the consensus splice site are a relatively common cause of aberrant splicing (PMID: 17576681, 9536098). Algorithms developed to predict the effect of sequence changes on RNA splicing suggest that this variant may disrupt the consensus splice site. In summary, the available evidence is currently insufficient to determine the role of this variant in disease. Therefore, it has been classified as a Variant of Uncertain Significance.

Fulgent Genetics
Classification: Uncertain significance for Propionic acidemia. Last evaluated: 2022-04-01. Review status: criteria provided, single submitter. Criteria: ACMG Guidelines, 2015. Collection method: clinical testing. Allele origin: unknown.

Laboratory of Inherited Metabolic Diseases, Research centre for medical genetics
Classification: Uncertain significance for Propionic acidemia. Last evaluated: 2021-02-17. Review status: criteria provided, single submitter. Criteria: ACMG Guidelines, 2015. Collection method: research, in vitro. Allele origin: germline, not applicable.
Comment: PM2, PP3

Natera, Inc.
Classification: Uncertain significance for Propionic acidemia. Last evaluated: 2021-03-09. Review status: no assertion criteria provided. Collection method: clinical testing. Allele origin: germline. Not counted in ClinVar's aggregate classification.

Literature cited by the submitters: PubMed 33923806 (cited by Labcorp Genetics (formerly Invitae), Labcorp); PubMed 17576681 (cited by Labcorp Genetics (formerly Invitae), Labcorp); PubMed 9536098 (cited by Labcorp Genetics (formerly Invitae), Labcorp).